The following is an entry in ClinVar:

NM_006516.4(SLC2A1):c.1161A>G (p.Pro387=)

Gene: SLC2A1 (solute carrier family 2 member 1; minus strand). Cytogenetic location: 1p34.2.
Variant type: single nucleotide variant.
Coding change: c.1161A>G on transcript NM_006516.4 (MANE Select); coding-DNA position 1161, A replaced by G.
Protein change: p.Pro387=; no amino-acid change (proline 387 retained).
Molecular consequence: synonymous variant.
Genome position (GRCh38, 1-based): chr1:42,927,722, T>C on the plus strand (A>G on the coding strand, the complement: SLC2A1 is on the minus strand). VCF-style: chr1-42927722-T-C. GRCh37 (hg19) VCF-style: chr1-43393393-T-C.
Identifiers: ClinVar variation 1078905 (VCV001078905.10), dbSNP rs138441972, ClinGen allele CA803331.

ClinVar aggregate classification (germline): Likely benign. Review status: criteria provided, multiple submitters, no conflicts (2 of 4 stars). 2 submissions from 2 submitters: Likely benign (2). Last evaluated 2026-09-01.

Conditions:
GLUT1 deficiency syndrome 1, autosomal recessive. Identifiers: MedGen C3149117.

Allele frequency attached by ClinVar (database versions not stated): gnomAD exomes below 0.00001; ExAC 0.00001; 1000 Genomes Project 30x 0.00016; 1000 Genomes Project 0.00020.
gnomAD v4.1: 9 of 1,614,030 alleles (0.00056%); highest among the groups gnomAD compares: Non-Finnish European, 0.00051%; no homozygotes.

Submissions (2):

CeGaT Center for Human Genetics Tuebingen
Classification: Likely benign. Last evaluated: 2026-09-01. Review status: criteria provided, single submitter. Criteria: CeGaT Center For Human Genetics Tuebingen Variant Classification Criteria Version 2. Collection method: clinical testing. Allele origin: germline. Affected: yes. Observed: 1 variant allele.
Comment: SLC2A1: BP4, BP7

Labcorp Genetics (formerly Invitae), Labcorp
Classification: Likely benign for GLUT1 deficiency syndrome 1, autosomal recessive. Last evaluated: 2024-02-22. Review status: criteria provided, single submitter. Criteria: Invitae Variant Classification Sherloc (09022015). Collection method: clinical testing. Allele origin: germline.